The following is an entry in ClinVar:

NM_001009944.3(PKD1):c.5541G>A (p.Lys1847=)

Gene: PKD1 (polycystin 1, transient receptor potential channel interacting; minus strand). Cytogenetic location: 16p13.3.
Variant type: single nucleotide variant.
Coding change: c.5541G>A on transcript NM_001009944.3 (MANE Select); coding-DNA position 5541, G replaced by A.
Protein change: p.Lys1847=; no amino-acid change (lysine 1847 retained).
Molecular consequence: synonymous variant.
Genome position (GRCh38, 1-based): chr16:2,109,626, C>T on the plus strand (G>A on the coding strand, the complement: PKD1 is on the minus strand). VCF-style: chr16-2109626-C-T. GRCh37 (hg19) VCF-style: chr16-2159627-C-T.
Other names: c.5541G>A, p.Lys1847= (NM_000296.4).
Identifiers: ClinVar variation 3059323 (VCV003059323.2), dbSNP rs2544811649, ClinGen allele CA493047939.
Genomic context (GRCh38, chr16:2,109,626, plus strand): 5'-ATTGAGCCGGATGGAGAAGGTGCCAGCATCCGGGAAGACCATGGTGACATGAGGGCCACG[C>T]TTGCTGCTGCCGCCGGGCACAGCCCAGCACCAGCTCACATTGGTGCCCGTGGCCAGCTGC-3'
Protein context (NP_001009944.3, residues 1837-1857): WCWAVPGGSS[Lys1847=]RGPHVTMVFP

ClinVar aggregate classification (germline): Likely benign (0 of 4 stars; one submission).

Conditions:
PKD1-related disorder. Also called: PKD1-related condition.

Allele frequency attached by ClinVar (database versions not stated): gnomAD exomes below 0.00001.

Submission:

PreventionGenetics, part of Exact Sciences
Classification: Likely benign for PKD1-related condition. Last evaluated: 2021-05-14. Review status: no assertion criteria provided. Collection method: clinical testing. Allele origin: germline.
Comment: This variant is classified as likely benign based on ACMG/AMP sequence variant interpretation guidelines (Richards et al. 2015 PMID: 25741868, with internal and published modifications).